The following is an entry in ClinVar:

ClinVar aggregate classification (germline): Uncertain significance (1 of 4 stars; one submission).

Submission:

Labcorp Genetics (formerly Invitae), Labcorp
Classification: Uncertain significance. Last evaluated: 2019-11-07. Review status: criteria provided, single submitter. Criteria: Invitae Variant Classification Sherloc (09022015). Collection method: clinical testing. Allele origin: germline.
Comment: Algorithms developed to predict the effect of missense changes on protein structure and function (SIFT, PolyPhen-2, Align-GVGD) all suggest that this variant is likely to be disruptive, but these predictions have not been confirmed by published functional studies and their clinical significance is uncertain. In summary, the available evidence is currently insufficient to determine the role of this variant in disease. Therefore, it has been classified as a Variant of Uncertain Significance. This variant has not been reported in the literature in individuals with FSCN2-related conditions. This sequence change replaces arginine with proline at codon 482 of the FSCN2 protein (p.Arg482Pro). The arginine residue is highly conserved and there is a moderate physicochemical difference between arginine and proline. The frequency data for this variant in the population databases is considered unreliable, as metrics indicate insufficient coverage at this position in the ExAC database.

NM_012418.4(FSCN2):c.1373G>C (p.Arg458Pro)

Gene: FSCN2 (fascin actin-bundling protein 2, retinal; plus strand). Cytogenetic location: 17q25.3.
Variant type: single nucleotide variant.
Coding change: c.1373G>C on transcript NM_012418.4 (MANE Select); coding-DNA position 1373, G replaced by C.
Protein change: p.Arg458Pro; replaces arginine 458 with proline.
Molecular consequence: missense variant.
Genome position (GRCh38, 1-based): chr17:81,536,974, G>C. VCF-style: chr17-81536974-G-C. GRCh37 (hg19) VCF-style: chr17-79504000-G-C.
Other names: c.1445G>C, p.Arg482Pro (NM_001077182.3); short protein forms R458P, R482P.
Identifiers: ClinVar variation 969562 (VCV000969562.9), dbSNP rs1319334843, ClinGen allele CA401478774.